The following is an entry in ClinVar:

NM_020166.5(MCCC1):c.1341A>G (p.Ala447=)

Gene: MCCC1 (methylcrotonyl-CoA carboxylase subunit 1; minus strand). Cytogenetic location: 3q27.1.
Variant type: single nucleotide variant.
Coding change: c.1341A>G on transcript NM_020166.5 (MANE Select); coding-DNA position 1341, A replaced by G.
Protein change: p.Ala447=; no amino-acid change (alanine 447 retained).
Molecular consequence: synonymous variant. On other transcripts: non-coding transcript variant (2).
Genome position (GRCh38, 1-based): chr3:183,039,062, T>C on the plus strand (A>G on the coding strand, the complement: MCCC1 is on the minus strand). VCF-style: chr3-183039062-T-C. GRCh37 (hg19) VCF-style: chr3-182756850-T-C.
Other names: c.990A>G, p.Ala330= (NM_001293273.2); c.1014A>G, p.Ala338= (NM_001363880.1).
Identifiers: ClinVar variation 385406 (VCV000385406.8), dbSNP rs757687424, ClinGen allele CA2718805.

ClinVar aggregate classification (germline): Likely benign. Review status: criteria provided, multiple submitters, no conflicts (2 of 4 stars). 2 submissions from 2 submitters: Likely benign (2). Last evaluated 2024-01-03.

Conditions:
3-methylcrotonyl-CoA carboxylase 1 deficiency (MCC1D). Also called: METHYLCROTONYLGLYCINURIA TYPE I; MCCD TYPE 1; MCC 1 deficiency; 3 Alpha methylcrotonylglycinuria 1. Identifiers: Orphanet 6, MedGen CN028786, MONDO:0008861, OMIM 210200.

Allele frequency attached by ClinVar (database versions not stated): gnomAD exomes below 0.00001 and 0.00001; ExAC 0.00001; gnomAD 0.00002 and 0.00003; TOPMed 0.00005.
gnomAD v4.1: 8 of 1,614,084 alleles (0.0005%); highest among the groups gnomAD compares: Admixed American, 0.01%; no homozygotes.

Submissions (2):

Labcorp Genetics (formerly Invitae), Labcorp
Classification: Likely benign for 3-methylcrotonyl-CoA carboxylase 1 deficiency. Last evaluated: 2024-01-03. Review status: criteria provided, single submitter. Criteria: Invitae Variant Classification Sherloc (09022015). Collection method: clinical testing. Allele origin: germline.

GeneDx
Classification: Likely benign. Last evaluated: 2016-05-05. Review status: criteria provided, single submitter. Criteria: GeneDx Variant Classification (06012015). Collection method: clinical testing. Allele origin: germline. Affected: yes.
Comment: This variant is considered likely benign or benign based on one or more of the following criteria: it is a conservative change, it occurs at a poorly conserved position in the protein, it is predicted to be benign by multiple in silico algorithms, and/or has population frequency not consistent with disease.